The following is an entry in ClinVar:

ClinVar aggregate classification (germline): Likely benign (1 of 4 stars; one submission).

gnomAD v4.1: 114 of 1,609,708 alleles (0.0071%); highest among the groups gnomAD compares: East Asian, 0.045%; no homozygotes.

Submission:

Mayo Clinic Laboratories, Mayo Clinic
Classification: Likely benign. Last evaluated: 2025-08-13. Review status: criteria provided, single submitter. Criteria: ACMG Guidelines, 2015. Collection method: clinical testing. Allele origin: germline. Observed: 1 variant allele.
Comment: BP4, BP7

NM_000498.3(CYP11B2):c.1398C>T (p.His466=)

Genes: CYP11B2 (cytochrome P450 family 11 subfamily B member 2; minus strand), LOC106799834 (CYP11B2 recombination region; plus strand). Cytogenetic location: 8q24.3.
Variant type: single nucleotide variant.
Coding change: c.1398C>T on transcript NM_000498.3 (MANE Select); coding-DNA position 1398, C replaced by T.
Protein change: p.His466=; no amino-acid change (histidine 466 retained).
Molecular consequence: synonymous variant.
Genome position (GRCh38, 1-based): chr8:142,912,530, G>A on the plus strand (C>T on the coding strand, the complement: CYP11B2 is on the minus strand). VCF-style: chr8-142912530-G-A. GRCh37 (hg19) VCF-style: chr8-143993946-G-A.
Other names: p.His466=.
Identifiers: ClinVar variation 4683363 (VCV004683363.1).